The following is an entry in ClinVar:

NM_000551.4(VHL):c.460C>T (p.Pro154Ser)

Genes: VHL (von Hippel-Lindau tumor suppressor; plus strand), LOC107303340 (3p25 von Hippel-Lindau tumor suppressor, E3 ubiquitin protein ligase Alu-mediated recombination region; plus strand). Cytogenetic location: 3p25.3.
Variant type: single nucleotide variant.
Coding change: c.460C>T on transcript NM_000551.4 (MANE Select); coding-DNA position 460, C replaced by T.
Protein change: p.Pro154Ser; replaces proline 154 with serine.
Molecular consequence: missense variant. On other transcripts: intron variant (2).
Genome position (GRCh38, 1-based): chr3:10,146,633, C>T. VCF-style: chr3-10146633-C-T. GRCh37 (hg19) VCF-style: chr3-10188317-C-T.
Other names: c.*18-3154C>T (NM_001354723.2); c.341-3154C>T (NM_198156.3); short protein forms P154S.
Identifiers: ClinVar variation 486714 (VCV000486714.18), dbSNP rs1553619993, ClinGen allele CA351754405.

ClinVar aggregate classification (germline): Conflicting classifications of pathogenicity. Review status: criteria provided, conflicting classifications (1 of 4 stars). 5 submissions from 5 submitters: Pathogenic (2); Likely pathogenic (2); Uncertain significance (1). Last evaluated 2025-08-24.

Conditions:
Chuvash polycythemia. Also called: POLYCYTHEMIA, VHL-DEPENDENT. Identifiers: Orphanet 238557, MedGen C1837915, MONDO:0009892, OMIM 263400.
Von Hippel-Lindau syndrome (VHLS). Also called: Von Hippel-Lindau; VHL syndrome; von Hippel–Lindau syndrome. Identifiers: Orphanet 892, MedGen C0019562, MONDO:0008667, OMIM 193300. Disease mechanism: loss of function.
Hereditary cancer-predisposing syndrome. Also called: Tumor predisposition; Hereditary Cancer Syndrome; Neoplastic Syndromes, Hereditary; Hereditary neoplastic syndrome. Identifiers: Orphanet 140162, MedGen C0027672, MeSH D009386, MONDO:0015356.

Allele frequency attached by ClinVar (database versions not stated): gnomAD exomes below 0.00001.

Submissions (5):

Labcorp Genetics (formerly Invitae), Labcorp
Classification: Pathogenic for Von Hippel-Lindau syndrome; Chuvash polycythemia. Last evaluated: 2025-08-24. Review status: criteria provided, single submitter. Criteria: Invitae Variant Classification Sherloc (09022015). Collection method: clinical testing. Allele origin: germline.
Comment: This sequence change replaces proline, which is neutral and non-polar, with serine, which is neutral and polar, at codon 154 of the VHL protein (p.Pro154Ser). This variant is not present in population databases (gnomAD no frequency). This missense change has been observed in individuals with clinical features of von Hippel-Lindau disease (PMID: 16595991, 22517557; internal data). ClinVar contains an entry for this variant (Variation ID: 486714). Invitae Evidence Modeling of protein sequence and biophysical properties (such as structural, functional, and spatial information, amino acid conservation, physicochemical variation, residue mobility, and thermodynamic stability) indicates that this missense variant is expected to disrupt VHL protein function with a positive predictive value of 95%. This variant disrupts the p.Pro154 amino acid residue in VHL. Other variant(s) that disrupt this residue have been determined to be pathogenic (PMID: 7987306, 8956040, 17024664, 20660572, 23143947, 25867206). This suggests that this residue is clinically significant, and that variants that disrupt this residue are likely to be disease-causing. For these reasons, this variant has been classified as Pathogenic.

Ambry Genetics
Classification: Likely pathogenic for Hereditary cancer-predisposing syndrome. Last evaluated: 2025-06-27. Review status: criteria provided, single submitter. Criteria: Ambry Variant Classification Scheme 2023. Collection method: clinical testing. Allele origin: germline.
Comment: The p.P154S variant (also known as c.460C>T), located in coding exon 2 of the VHL gene, results from a C to T substitution at nucleotide position 460. The proline at codon 154 is replaced by serine, an amino acid with similar properties. This alteration has been reported in multiple individuals with paragangliomas and/or pheochromocytomas (Takahashi K et al. Intern Med. 2006 Apr;45:265-9; Menara M et al. J Clin Endocrinol Metab. 2015 Feb;100:E287-91; Ma X et al. Front Endocrinol (Lausanne). 2020 Dec;11:574662; Favier J et al. Mod Pathol. 2020 01;33:57-64; Ambry internal data). Based on internal structural analysis, P154S is more disruptive to the VHL-Elongin-C interface than several other internally pathogenic interfacial variants within 6-8 &Aring; (Testa A et al. J Am Chem Soc. 2018 07;140:9299-9313). This variant is considered to be rare based on population cohorts in the Genome Aggregation Database (gnomAD). This amino acid position is highly conserved in available vertebrate species. In addition, this alteration is predicted to be deleterious by in silico analysis. Based on the majority of available evidence to date, this variant is likely to be pathogenic.

Baylor Genetics
Classification: Likely pathogenic for Von Hippel-Lindau syndrome. Last evaluated: 2023-04-12. Review status: criteria provided, single submitter. Criteria: ACMG Guidelines, 2015. Collection method: clinical testing. Allele origin: unknown.

Blueprint Genetics
Classification: Uncertain significance. Last evaluated: 2021-07-14. Review status: criteria provided, single submitter. Criteria: ACMG Guidelines, 2015. Collection method: clinical testing. Allele origin: germline.

Women's Health and Genetics/Laboratory Corporation of America, LabCorp
Classification: Pathogenic for Von Hippel-Lindau syndrome. Last evaluated: 2021-05-12. Review status: criteria provided, single submitter. Criteria: LabCorp Variant Classification Summary - May 2015. Collection method: clinical testing. Allele origin: germline.
Comment: Variant summary: VHL c.460C>T (p.Pro154Ser) results in a non-conservative amino acid change located in the von Hippel-Lindau disease tumour suppressor, beta/alpha domain (IPR022772) of the encoded protein sequence. Five of five in-silico tools predict a damaging effect of the variant on protein function. The variant was absent in 251494 control chromosomes. c.460C>T has been reported in the literature in individuals affected with Hereditary Paraganglioma-Pheochromocytoma Syndrome (e.g. Takahashi_2006, van Nederveen_2009, Wong_2016), including multiple individuals in a family in which the variant co-segregated with disease (e.g. Takahashi_2006). These data indicate that the variant is likely to be associated with disease. To our knowledge, no experimental evidence demonstrating an impact on protein function has been reported. Two ClinVar submitters (evaluation after 2014) have cited the variant as uncertain significance. Based on the evidence outlined above, the variant was classified as pathogenic.

Literature cited by the submitters: PubMed 16595991 (cited by 3 submitters); PubMed 22517557 (cited by Labcorp Genetics (formerly Invitae), Labcorp); PubMed 7987306 (cited by Labcorp Genetics (formerly Invitae), Labcorp); PubMed 8956040 (cited by Labcorp Genetics (formerly Invitae), Labcorp); PubMed 17024664 (cited by Labcorp Genetics (formerly Invitae), Labcorp); PubMed 20660572 (cited by Labcorp Genetics (formerly Invitae), Labcorp); PubMed 23143947 (cited by Labcorp Genetics (formerly Invitae), Labcorp); PubMed 25867206 (cited by Labcorp Genetics (formerly Invitae), Labcorp); PubMed 25405498 (cited by Ambry Genetics and Women's Health and Genetics/Laboratory Corporation of America, LabCorp); PubMed 29949369 (cited by Ambry Genetics); PubMed 31383958 (cited by Ambry Genetics and Women's Health and Genetics/Laboratory Corporation of America, LabCorp); PubMed 33362715 (cited by Ambry Genetics and Women's Health and Genetics/Laboratory Corporation of America, LabCorp); PubMed 21784903 (cited by Women's Health and Genetics/Laboratory Corporation of America, LabCorp); PubMed 19576851 (cited by Women's Health and Genetics/Laboratory Corporation of America, LabCorp); PubMed 27527340 (cited by Women's Health and Genetics/Laboratory Corporation of America, LabCorp); PubMed 25825477 (cited by Women's Health and Genetics/Laboratory Corporation of America, LabCorp).